The following is an entry in ClinVar:

NM_003742.4(ABCB11):c.3893G>T (p.Gly1298Val)

Gene: ABCB11 (ATP binding cassette subfamily B member 11; minus strand). Cytogenetic location: 2q31.1.
Variant type: single nucleotide variant.
Coding change: c.3893G>T on transcript NM_003742.4 (MANE Select); coding-DNA position 3893, G replaced by T.
Protein change: p.Gly1298Val; replaces glycine 1298 with valine.
Molecular consequence: missense variant.
Genome position (GRCh38, 1-based): chr2:168,923,695, C>A on the plus strand (G>T on the coding strand, the complement: ABCB11 is on the minus strand). VCF-style: chr2-168923695-C-A. GRCh37 (hg19) VCF-style: chr2-169780205-C-A.
Other names: short protein forms G1298V.
Identifiers: ClinVar variation 4846013 (VCV004846013.1).

ClinVar aggregate classification (germline): Uncertain significance (1 of 4 stars; one submission).

Conditions:
Familial intrahepatic cholestasis. Identifiers: Orphanet 284385, MedGen CN296401, MONDO:0017290.

Submission:

Genomenon, Inc
Classification: Uncertain significance for Familial intrahepatic cholestasis. Last evaluated: 2026-04-14. Review status: criteria provided, single submitter. Criteria: Genomenon Sequence Variant Interpretation Standards - Updated. Collection method: curation. Allele origin: germline. Affected: yes.
Comment: ABCB11 p.Gly1298Val (c.3893G>T) is a missense variant that changes the amino acid at residue 1298 from Glycine to Valine. This variant has been observed in at least one proband with an ABCB11-related disorder (PMID:32087350). It is absent or not present at a significant frequency in gnomAD. In silico models predict that this variant is possibly or probably damaging. In conclusion, we classify ABCB11 p.Gly1298Val (c.3893G>T) as a variant of uncertain significance.

Literature cited by the submitters: PubMed 32087350.